The following is an entry in ClinVar:

ClinVar aggregate classification (germline): Uncertain significance (1 of 4 stars; one submission).

Allele frequency attached by ClinVar (database versions not stated): gnomAD exomes below 0.00001; ExAC 0.00001.
gnomAD v4.1: 2 of 1,596,734 alleles (0.00013%); highest among the groups gnomAD compares: African/African-American, 0.0028%; no homozygotes.

Submission:

Labcorp Genetics (formerly Invitae), Labcorp
Classification: Uncertain significance. Last evaluated: 2025-06-12. Review status: criteria provided, single submitter. Criteria: Invitae Variant Classification Sherloc (09022015). Collection method: clinical testing. Allele origin: germline.
Comment: This sequence change replaces proline, which is neutral and non-polar, with serine, which is neutral and polar, at codon 34 of the AGXT protein (p.Pro34Ser). This variant is present in population databases (rs758388293, gnomAD 0.01%). This variant has not been reported in the literature in individuals affected with AGXT-related conditions. ClinVar contains an entry for this variant (Variation ID: 1951431). Invitae Evidence Modeling of protein sequence and biophysical properties (such as structural, functional, and spatial information, amino acid conservation, physicochemical variation, residue mobility, and thermodynamic stability) indicates that this missense variant is not expected to disrupt AGXT protein function with a negative predictive value of 80%. In summary, the available evidence is currently insufficient to determine the role of this variant in disease. Therefore, it has been classified as a Variant of Uncertain Significance.

NM_000030.3(AGXT):c.100C>T (p.Pro34Ser)

Gene: AGXT (alanine--glyoxylate aminotransferase; plus strand). Cytogenetic location: 2q37.3.
Variant type: single nucleotide variant.
Coding change: c.100C>T on transcript NM_000030.3 (MANE Select); coding-DNA position 100, C replaced by T.
Protein change: p.Pro34Ser; replaces proline 34 with serine.
Molecular consequence: missense variant.
Genome position (GRCh38, 1-based): chr2:240,868,965, C>T. VCF-style: chr2-240868965-C-T. GRCh37 (hg19) VCF-style: chr2-241808382-C-T.
Other names: short protein forms P34S.
Identifiers: ClinVar variation 1951431 (VCV001951431.3), dbSNP rs758388293, ClinGen allele CA2208977.
Genomic context (GRCh38, chr2:240,868,965, plus strand): 5'-CTGCTCAAGCCCCTCTCCATCCCCAACCAGCTCCTGCTGGGGCCTGGTCCTTCCAACCTG[C>T]CTCCTCGCATCATGGCAGCCGGGGGGCTGCAGATGATCGGGTCCATGAGCAAGGATATGT-3'
Protein context (NP_000021.1, residues 24-44): LLLGPGPSNL[Pro34Ser]PRIMAAGGLQ